The following is an entry in ClinVar:

ClinVar aggregate classification (germline): Conflicting classifications of pathogenicity. Review status: criteria provided, conflicting classifications (1 of 4 stars). 8 submissions from 8 submitters: Uncertain significance (7); Likely benign (1). Last evaluated 2026-04-02.

Conditions:
Stüve-Wiedemann syndrome 1. Also called: STUVE-WIEDEMANN/SCHWARTZ-JAMPEL TYPE 2 SYNDROME. Identifiers: Orphanet 3206, MedGen C5676888, MONDO:0800043, OMIM 601559.
Stuve-Wiedemann syndrome (STWS). Also called: Stüve-Wiedemann syndrome. Identifiers: Orphanet 3206, MedGen C0796176, MONDO:0031280.
Inborn genetic diseases. Identifiers: MedGen C0950123, MeSH D030342.
Connective tissue disorder. Also called: Connective tissue disease. Identifiers: MedGen C0009782, MONDO:0003900.

Allele frequency attached by ClinVar (database versions not stated): gnomAD exomes 0.00044 and 0.00089; ESP Exome Variant Server 0.00046; TOPMed 0.00058; gnomAD 0.00066 and 0.00068; ExAC 0.00073.
gnomAD v4.1: 1,355 of 1,579,214 alleles (0.086%); highest among the groups gnomAD compares: Non-Finnish European, 0.11%; 1 homozygote.

Submissions (8):

Women's Health and Genetics/Laboratory Corporation of America, LabCorp
Classification: Uncertain significance. Last evaluated: 2026-04-02. Review status: criteria provided, single submitter. Criteria: LabCorp Variant Classification Summary - May 2015. Collection method: clinical testing. Allele origin: germline.
Comment: Variant summary: LIFR c.247A>G (p.Ile83Val) results in a conservative amino acid change in the encoded protein sequence. Algorithms developed to predict the effect of missense changes on protein structure and function all suggest that this variant is likely to be tolerated. The variant allele was found at a frequency of 0.00044 in 211474 control chromosomes. This frequency is not significantly higher than estimated for disease-causing variants in LIFR, allowing no conclusion about variant significance. To our knowledge, no occurrence of c.247A>G in individuals affected with LIFR-related conditions and no experimental evidence demonstrating its impact on protein function have been reported. ClinVar contains an entry for this variant (Variation ID: 353633). Based on the evidence outlined above, the variant was classified as uncertain significance.

Ambry Genetics
Classification: Uncertain significance for Inborn genetic diseases. Last evaluated: 2025-08-12. Review status: criteria provided, single submitter. Criteria: Ambry Variant Classification Scheme 2023. Collection method: clinical testing. Allele origin: germline.

GeneDx
Classification: Uncertain significance. Last evaluated: 2024-05-29. Review status: criteria provided, single submitter. Criteria: GeneDx Variant Classification Process June 2021. Collection method: clinical testing. Allele origin: germline. Affected: yes.
Comment: In silico analysis indicates that this missense variant does not alter protein structure/function; Has not been previously published as pathogenic or benign to our knowledge

Fulgent Genetics
Classification: Likely benign for Stüve-Wiedemann syndrome 1. Last evaluated: 2024-04-08. Review status: criteria provided, single submitter. Criteria: ACMG Guidelines, 2015. Collection method: clinical testing. Allele origin: germline.

Labcorp Genetics (formerly Invitae), Labcorp
Classification: Uncertain significance. Last evaluated: 2022-10-17. Review status: criteria provided, single submitter. Criteria: Invitae Variant Classification Sherloc (09022015). Collection method: clinical testing. Allele origin: germline.
Comment: This sequence change replaces isoleucine, which is neutral and non-polar, with valine, which is neutral and non-polar, at codon 83 of the LIFR protein (p.Ile83Val). This variant is present in population databases (rs61751710, gnomAD 0.09%), and has an allele count higher than expected for a pathogenic variant. This variant has not been reported in the literature in individuals affected with LIFR-related conditions. ClinVar contains an entry for this variant (Variation ID: 353633). Algorithms developed to predict the effect of missense changes on protein structure and function output the following: SIFT: "Tolerated"; PolyPhen-2: "Benign"; Align-GVGD: "Class C0". The valine amino acid residue is found in multiple mammalian species, which suggests that this missense change does not adversely affect protein function. In summary, the available evidence is currently insufficient to determine the role of this variant in disease. Therefore, it has been classified as a Variant of Uncertain Significance.

ARUP Laboratories, Molecular Genetics and Genomics, ARUP Laboratories
Classification: Uncertain significance for Stüve-Wiedemann syndrome 1. Last evaluated: 2019-12-10. Review status: criteria provided, single submitter. Criteria: ARUP Molecular Germline Variant Investigation Process. Collection method: clinical testing. Allele origin: germline.
Comment: The LIFR c.247A>G; p.Ile83Val variant (rs61751710), to our knowledge, is not described in the medical literature or in gene-specific databases. It is listed as a variant of uncertain significance in ClinVar (Variation ID: 353633), and is observed in the general population at an overall frequency of 0.047% (114/242,864 alleles) in the Genome Aggregation Database. The isoleucine at codon 83 is moderately conserved, and computational algorithms (PolyPhen-2, SIFT) predict that this variant is tolerated. Due to limited information regarding this variant, its clinical significance cannot be determined with certainty.

Genome Diagnostics Laboratory, The Hospital for Sick Children
Classification: Uncertain significance for Connective tissue disorder. Last evaluated: 2019-08-01. Review status: criteria provided, single submitter. Criteria: ACMG Guidelines, 2015. Collection method: clinical testing. Allele origin: germline.

Illumina Laboratory Services, Illumina
Classification: Uncertain significance for Stüve-Wiedemann syndrome 1. Last evaluated: 2018-01-13. Review status: criteria provided, single submitter. Criteria: ICSL Variant Classification Criteria 13 December 2019. Collection method: clinical testing. Allele origin: germline.

NM_001127671.2(LIFR):c.247A>G (p.Ile83Val)

Gene: LIFR (LIF receptor subunit alpha; minus strand). Cytogenetic location: 5p13.1.
Variant type: single nucleotide variant.
Coding change: c.247A>G on transcript NM_001127671.2 (MANE Select); coding-DNA position 247, A replaced by G.
Protein change: p.Ile83Val; replaces isoleucine 83 with valine.
Molecular consequence: missense variant.
Genome position (GRCh38, 1-based): chr5:38,528,736, T>C on the plus strand (A>G on the coding strand, the complement: LIFR is on the minus strand). VCF-style: chr5-38528736-T-C. GRCh37 (hg19) VCF-style: chr5-38528838-T-C.
Other names: c.247A>G, p.Ile83Val (NM_001364297.2, NM_001364298.2, NM_002310.6); short protein forms I83V.
Identifiers: ClinVar variation 353633 (VCV000353633.22), dbSNP rs61751710, ClinGen allele CA3243291.